The following is an entry in ClinVar:

NM_000182.5(HADHA):c.1141G>A (p.Val381Met)

Genes: HADHA (hydroxyacyl-CoA dehydrogenase trifunctional multienzyme complex subunit alpha; minus strand), GAREM2 (GRB2 associated regulator of MAPK1 subtype 2; plus strand). Cytogenetic location: 2p23.3.
Variant type: single nucleotide variant.
Coding change: c.1141G>A on transcript NM_000182.5 (MANE Select); coding-DNA position 1141, G replaced by A.
Protein change: p.Val381Met; replaces valine 381 with methionine.
Molecular consequence: missense variant.
Genome position (GRCh38, 1-based): chr2:26,204,141, C>T on the plus strand (G>A on the coding strand, the complement: HADHA is on the minus strand). VCF-style: chr2-26204141-C-T. GRCh37 (hg19) VCF-style: chr2-26427010-C-T.
Other names: p.Val381Met; short protein forms V381M.
Identifiers: ClinVar variation 940137 (VCV000940137.21), dbSNP rs764067083, ClinGen allele CA1559657.

ClinVar aggregate classification (germline): Conflicting classifications of pathogenicity. Review status: criteria provided, conflicting classifications (1 of 4 stars). 5 submissions from 5 submitters: Uncertain significance (3); Likely benign (1). 1 of the submissions does not count toward it. Last evaluated 2025-03-31.

Conditions:
Long chain 3-hydroxyacyl-CoA dehydrogenase deficiency. Also called: Deficiency of long-chain 3-hydroxyacyl-coenzyme A dehydrogenase; LCHAD Deficiency. Identifiers: Orphanet 5, MedGen C3711645, MONDO:0012173, OMIM 609016.
Mitochondrial trifunctional protein deficiency. Identifiers: Orphanet 746, MedGen C1969443, MONDO:0012172.

Allele frequency attached by ClinVar (database versions not stated): gnomAD exomes 0.00001 and 0.00002; ExAC 0.00002; gnomAD 0.00003 and 0.00004; TOPMed 0.00005.
gnomAD v4.1: 27 of 1,613,476 alleles (0.0017%); highest among the groups gnomAD compares: African/African-American, 0.008%; no homozygotes.

Submissions (5):

Labcorp Genetics (formerly Invitae), Labcorp
Classification: Likely benign for Mitochondrial trifunctional protein deficiency; Long chain 3-hydroxyacyl-CoA dehydrogenase deficiency. Last evaluated: 2025-03-31. Review status: criteria provided, single submitter. Criteria: Invitae Variant Classification Sherloc (09022015). Collection method: clinical testing. Allele origin: germline.

GeneDx
Classification: Uncertain significance. Last evaluated: 2024-12-10. Review status: criteria provided, single submitter. Criteria: GeneDx Variant Classification Process June 2021. Collection method: clinical testing. Allele origin: germline. Affected: yes.
Comment: Not observed at significant frequency in large population cohorts (gnomAD); In silico analysis indicates that this missense variant does not alter protein structure/function; Has not been previously published as pathogenic or benign to our knowledge

Mayo Clinic Laboratories, Mayo Clinic
Classification: Uncertain significance. Last evaluated: 2021-12-22. Review status: criteria provided, single submitter. Criteria: ACMG Guidelines, 2015. Collection method: clinical testing. Allele origin: germline.

ARUP Laboratories, Molecular Genetics and Genomics, ARUP Laboratories
Classification: Uncertain significance. Last evaluated: 2021-10-08. Review status: criteria provided, single submitter. Criteria: ARUP Molecular Germline Variant Investigation Process 2021. Collection method: clinical testing. Allele origin: germline.
Comment: The HADHA c.1141G>A; p.Val381Met variant (rs764067083), to our knowledge, is not reported in the medical literature but is reported in ClinVar (Variation ID: 940137). This variant is only observed on four alleles in the Genome Aggregation Database, indicating it is not a common polymorphism. The valine at codon 381 is highly conserved, but computational analyses are uncertain whether this variant is neutral or deleterious (REVEL: 0.477). Due to limited information, the clinical significance of the p.Val381Met variant is uncertain at this time.

Natera, Inc.
Classification: Uncertain significance for Deficiency of long-chain 3-hydroxyacyl-coenzyme A dehydrogenase. Last evaluated: 2020-02-23. Review status: no assertion criteria provided. Collection method: clinical testing. Allele origin: germline. Not counted in ClinVar's aggregate classification.